The following is an entry in ClinVar:

ClinVar aggregate classification (germline): Uncertain significance. Review status: criteria provided, multiple submitters, no conflicts (2 of 4 stars). 2 submissions from 2 submitters: Uncertain significance (2). Last evaluated 2022-06-26.

Submissions (2):

Labcorp Genetics (formerly Invitae), Labcorp
Classification: Uncertain significance. Last evaluated: 2022-06-26. Review status: criteria provided, single submitter. Criteria: Invitae Variant Classification Sherloc (09022015). Collection method: clinical testing. Allele origin: germline.
Comment: This variant has not been reported in the literature in individuals affected with ZNF469-related conditions. This variant is not present in population databases (gnomAD no frequency). This sequence change replaces serine, which is neutral and polar, with arginine, which is basic and polar, at codon 589 of the ZNF469 protein (p.Ser589Arg). Algorithms developed to predict the effect of missense changes on protein structure and function output the following: SIFT: "Tolerated"; PolyPhen-2: "Benign"; Align-GVGD: "Class C0". The arginine amino acid residue is found in multiple mammalian species, which suggests that this missense change does not adversely affect protein function. In summary, the available evidence is currently insufficient to determine the role of this variant in disease. Therefore, it has been classified as a Variant of Uncertain Significance.

GeneDx
Classification: Uncertain significance. Last evaluated: 2022-04-05. Review status: criteria provided, single submitter. Criteria: GeneDx Variant Classification Process June 2021. Collection method: clinical testing. Allele origin: germline. Affected: yes.
Comment: Not observed at significant frequency in large population cohorts (gnomAD); In silico analysis supports that this missense variant does not alter protein structure/function; Has not been previously published as pathogenic or benign to our knowledge

NM_001367624.2(ZNF469):c.1767C>A (p.Ser589Arg)

Gene: ZNF469 (zinc finger protein 469; plus strand). Cytogenetic location: 16q24.2.
Variant type: single nucleotide variant.
Coding change: c.1767C>A on transcript NM_001367624.2 (MANE Select); coding-DNA position 1767, C replaced by A.
Protein change: p.Ser589Arg; replaces serine 589 with arginine.
Molecular consequence: missense variant.
Genome position (GRCh38, 1-based): chr16:88,429,237, C>A. VCF-style: chr16-88429237-C-A. GRCh37 (hg19) VCF-style: chr16-88495645-C-A.
Other names: NM_001127464.1:c.1767C>A; short protein forms S589R.
Identifiers: ClinVar variation 1708853 (VCV001708853.7), dbSNP rs1309173441, ClinGen allele CA397068430.